The following is an entry in ClinVar:

ClinVar aggregate classification (germline): Conflicting classifications of pathogenicity. Review status: criteria provided, conflicting classifications (1 of 4 stars). 3 submissions from 3 submitters: Uncertain significance (1); Likely benign (2). Last evaluated 2025-06-16.

Conditions:
Idiopathic Pulmonary Fibrosis. Also called: Idiopathic fibrosing alveolitis, chronic form; idiopathic fibrosing alveolitis. Identifiers: Orphanet 2032, MedGen C1800706, MeSH D054990, MONDO:0800504.
Dyskeratosis congenita, autosomal dominant 2. Identifiers: MedGen C3151443, MONDO:0013521, OMIM 613989.
Dyskeratosis congenita. Identifiers: Orphanet 1775, MedGen C0265965, MONDO:0015780.

Allele frequency attached by ClinVar (database versions not stated): gnomAD 0.00001 and 0.00002; gnomAD exomes 0.00001 and 0.00003; ExAC 0.00002; TOPMed 0.00002.
gnomAD v4.1: 18 of 1,613,844 alleles (0.0011%); highest among the groups gnomAD compares: Middle Eastern, 0.033%; no homozygotes.

Submissions (3):

Ambry Genetics
Classification: Likely benign for Dyskeratosis congenita. Last evaluated: 2025-06-16. Review status: criteria provided, single submitter. Criteria: Ambry Variant Classification Scheme 2023. Collection method: clinical testing. Allele origin: germline.

GeneDx
Classification: Uncertain significance. Last evaluated: 2025-04-29. Review status: criteria provided, single submitter. Criteria: GeneDx Variant Classification Process June 2021. Collection method: clinical testing. Allele origin: germline.
Comment: In silico analysis indicates that this missense variant does not alter protein structure/function; Observed in individual(s) with breast cancer (PMID: 34736091); This variant is associated with the following publications: (PMID: 34736091)

Labcorp Genetics (formerly Invitae), Labcorp
Classification: Likely benign for Dyskeratosis congenita, autosomal dominant 2; Idiopathic Pulmonary Fibrosis. Last evaluated: 2024-12-02. Review status: criteria provided, single submitter. Criteria: Invitae Variant Classification Sherloc (09022015). Collection method: clinical testing. Allele origin: germline.

NM_198253.3(TERT):c.2852G>A (p.Arg951Gln)

Gene: TERT (telomerase reverse transcriptase; minus strand). Cytogenetic location: 5p15.33.
Variant type: single nucleotide variant.
Coding change: c.2852G>A on transcript NM_198253.3 (MANE Select); coding-DNA position 2852, G replaced by A.
Protein change: p.Arg951Gln; replaces arginine 951 with glutamine.
Molecular consequence: missense variant. On other transcripts: non-coding transcript variant (2).
Genome position (GRCh38, 1-based): chr5:1,260,592, C>T on the plus strand (G>A on the coding strand, the complement: TERT is on the minus strand). VCF-style: chr5-1260592-C-T. GRCh37 (hg19) VCF-style: chr5-1260707-C-T.
Other names: c.2663G>A, p.Arg888Gln (NM_001193376.3); short protein forms R951Q, R888Q.
Identifiers: ClinVar variation 842944 (VCV000842944.13), dbSNP rs755707625, ClinGen allele CA3184353.